The following is an entry in ClinVar:

ClinVar aggregate classification (germline): Pathogenic. Review status: reviewed by expert panel (3 of 4 stars). 5 submissions from 5 submitters: Pathogenic (1). 4 of the submissions do not count toward it. Last evaluated 2016-10-18.

Conditions:
Breast and/or ovarian cancer. Identifiers: MedGen CN221562.
Hereditary breast ovarian cancer syndrome. Also called: Hereditary breast and ovarian cancer syndrome (HBOC); Breast and ovarian cancer; Hereditary breast and ovarian cancer syndrome; Hereditary breast and ovarian cancer; BRCA1- and BRCA2-Associated Hereditary Breast and Ovarian Cancer; Hereditary breast and/or ovarian cancer syndrome. Identifiers: Orphanet 145, MedGen C0677776, MeSH D061325, MONDO:0003582. Disease mechanism: loss of function.
Breast-ovarian cancer, familial, susceptibility to, 1 (BROVCA1). Also called: BRCA1 Hereditary Breast and Ovarian Cancer; OVARIAN CANCER, SUSCEPTIBILITY TO. Identifiers: Orphanet 145, MedGen C2676676, MONDO:0011450, OMIM 604370. Disease mechanism: loss of function.

Submissions (5):

Evidence-based Network for the Interpretation of Germline Mutant Alleles (ENIGMA)
Classification: Pathogenic for Breast-ovarian cancer, familial, susceptibility to, 1. Last evaluated: 2016-10-18. Review status: reviewed by expert panel. Criteria: ENIGMA BRCA1/2 Classification Criteria (2015). Collection method: curation. Allele origin: germline.
Comment: Variant allele predicted to encode a truncated non-functional protein.

Labcorp Genetics (formerly Invitae), Labcorp
Classification: Pathogenic for Hereditary breast ovarian cancer syndrome. Last evaluated: 2023-08-23. Review status: criteria provided, single submitter. Criteria: Invitae Variant Classification Sherloc (09022015). Collection method: clinical testing. Allele origin: germline. Not counted in ClinVar's aggregate classification.
Comment: This sequence change creates a premature translational stop signal (p.Glu1629Glyfs*50) in the BRCA1 gene. It is expected to result in an absent or disrupted protein product. Loss-of-function variants in BRCA1 are known to be pathogenic (PMID: 20104584). This variant is not present in population databases (gnomAD no frequency). This premature translational stop signal has been observed in individual(s) with breast cancer (PMID: 31173646). ClinVar contains an entry for this variant (Variation ID: 266502). For these reasons, this variant has been classified as Pathogenic.

CHEO Genetics Diagnostic Laboratory, Children's Hospital of Eastern Ontario
Classification: Uncertain significance for Breast and/or ovarian cancer. Last evaluated: 2016-07-19. Review status: criteria provided, single submitter. Criteria: ACMG Guidelines, 2015. Collection method: clinical testing. Allele origin: germline. Study: Canadian Open Genetics Repository. Not counted in ClinVar's aggregate classification.

Consortium of Investigators of Modifiers of BRCA1/2 (CIMBA), c/o University of Cambridge
Classification: Pathogenic for Breast-ovarian cancer, familial, susceptibility to, 1. Last evaluated: 2015-10-02. Review status: criteria provided, single submitter. Criteria: CIMBA Mutation Classification guidelines May 2016. Collection method: clinical testing. Allele origin: germline. Not counted in ClinVar's aggregate classification.

BRCAlab, Lund University
Classification: Pathogenic for Breast-ovarian cancer, familial, susceptibility to, 1. Last evaluated: 2020-03-02. Review status: no assertion criteria provided. Collection method: clinical testing. Allele origin: germline. Affected: yes. Not counted in ClinVar's aggregate classification.

Literature cited by the submitters: PubMed 20104584 (cited by Labcorp Genetics (formerly Invitae), Labcorp); PubMed 31173646 (cited by Labcorp Genetics (formerly Invitae), Labcorp).

NM_007294.4(BRCA1):c.4885dup (p.Glu1629fs)

Gene: BRCA1 (BRCA1 DNA repair associated; minus strand). Cytogenetic location: 17q21.31.
Variant type: Duplication.
Coding change: c.4885dup on transcript NM_007294.4 (MANE Select); coding-DNA position 4885, one base duplicated (G; older notation c.4885dupG).
Protein change: p.Glu1629fs; shifts the reading frame from glutamic acid 1629.
Molecular consequence: frameshift variant. On other transcripts: non-coding transcript variant (1).
Genome position (GRCh38, 1-based): chr17:43,071,029, C duplicated on the plus strand (G on the coding strand, the reverse complement: BRCA1 is on the minus strand); the first of 2 consecutive C bases (chr17:43,071,029-43,071,030); duplicating either gives the same sequence. VCF-style (leftmost placement, unchanged base first): chr17-43071028-T-TC. GRCh37 (hg19) VCF-style: chr17-41223045-T-TC.
Other names: 5005insG; c.4885dup, p.Glu1629fs (NM_007294.3); c.4743dup, p.Glu1582Glyfs (NM_001407695.1, NM_001407696.1, NM_001407697.1 and 12 more transcripts); c.4740dup, p.Glu1581Glyfs (NM_001407732.1, NM_001407733.1, NM_001407734.1 and 21 more transcripts); c.4737dup, p.Glu1580Glyfs (NM_001407838.1, NM_001407839.1, NM_001407841.1 and 12 more transcripts); c.4884dup, p.Glu1629Glyfs (NM_001407854.1, NM_001407593.1, NM_001407594.1 and 8 more transcripts); c.4881dup, p.Glu1628Glyfs (NM_001407858.1, NM_001407859.1, NM_001407860.1 and 17 more transcripts); c.4878dup, p.Glu1627Glyfs (NM_001407861.1, NM_001407627.1, NM_001407628.1 and 14 more transcripts); and 75 more; short protein forms E1582fs, E1629fs, E1650fs, E525fs.
Identifiers: ClinVar variation 266502 (VCV000266502.53), dbSNP rs886040254, ClinGen allele CA10589639.
Genomic context (GRCh38, chr17:43,071,028, plus strand): 5'-CTTTTGTTGACCCTTTCTGTTGAAGCTGTCAATTCTGGCTTCTCCCTGCTCACACTTTCT[T>TC]CCATTGCATTATACCCAGCAGTATCAGTAGTATGAGCAGCAGCTGGACTCTGGGCAGATT-3'